The following is an entry in ClinVar:

ClinVar aggregate classification (germline): Uncertain significance (1 of 4 stars; one submission).

gnomAD v4.1: 9 of 1,611,306 alleles (0.00056%); highest among the groups gnomAD compares: East Asian, 0.0045%; 1 homozygote.

Submission:

GeneDx
Classification: Uncertain significance. Last evaluated: 2024-12-12. Review status: criteria provided, single submitter. Criteria: GeneDx Variant Classification Process June 2021. Collection method: clinical testing. Allele origin: germline. Affected: yes.
Comment: Not observed at significant frequency in large population cohorts (gnomAD); In silico analysis supports that this missense variant has a deleterious effect on protein structure/function; Has not been previously published as pathogenic or benign to our knowledge

NM_031475.3(ESPN):c.2072C>T (p.Pro691Leu)

Gene: ESPN (espin; plus strand). Cytogenetic location: 1p36.31.
Variant type: single nucleotide variant.
Coding change: c.2072C>T on transcript NM_031475.3 (MANE Select); coding-DNA position 2072, C replaced by T.
Protein change: p.Pro691Leu; replaces proline 691 with leucine.
Molecular consequence: missense variant.
Genome position (GRCh38, 1-based): chr1:6,451,843, C>T. VCF-style: chr1-6451843-C-T. GRCh37 (hg19) VCF-style: chr1-6511903-C-T.
Other names: c.1982C>T, p.Pro661Leu (NM_001367473.1); c.2009C>T, p.Pro670Leu (NM_001367474.1); short protein forms P661L, P670L, P691L.
Identifiers: ClinVar variation 3902848 (VCV003902848.1).
Genomic context (GRCh38, chr1:6,451,843, plus strand): 5'-TCCCTGGCCCTAGGCCACCGGGCGCTCAGCCCCACCGCTTCTCCCTGCAGCCCGATTCGC[C>T]GCTGCCTTCTGTGTCACCTGCACTGTCACCAGTCCGGAGCCCCACACCGCCAGCTGCGGG-3'
Protein context (NP_113663.2, residues 681-701): IGQPAFQPDS[Pro691Leu]LPSVSPALSP